The following is an entry in ClinVar:

NM_178229.5(IQGAP3):c.531C>A (p.Ser177=)

Gene: IQGAP3 (IQ motif containing GTPase activating protein 3; minus strand). Cytogenetic location: 1q22.
Variant type: single nucleotide variant.
Coding change: c.531C>A on transcript NM_178229.5 (MANE Select); coding-DNA position 531, C replaced by A.
Protein change: p.Ser177=; no amino-acid change (serine 177 retained).
Molecular consequence: synonymous variant.
Genome position (GRCh38, 1-based): chr1:156,563,641, G>T on the plus strand (C>A on the coding strand, the complement: IQGAP3 is on the minus strand). VCF-style: chr1-156563641-G-T. GRCh37 (hg19) VCF-style: chr1-156533433-G-T.
Identifiers: ClinVar variation 777950 (VCV000777950.7), dbSNP rs75110454, ClinGen allele CA1161930.

ClinVar aggregate classification (germline): Benign. Review status: criteria provided, multiple submitters, no conflicts (2 of 4 stars). 3 submissions from 3 submitters: Benign (2). 1 of the submissions does not count toward it. Last evaluated 2019-12-31.

Conditions:
IQGAP3-related disorder. Also called: IQGAP3-related condition.

Allele frequency attached by ClinVar (database versions not stated): 1000 Genomes Project 30x 0.01156; 1000 Genomes Project 0.01178; TOPMed 0.01232; ESP Exome Variant Server 0.01261.
gnomAD v4.1: 13,980 of 1,612,908 alleles (0.87%); highest among the groups gnomAD compares: African/African-American, 2.2%; 87 homozygotes.

Submissions (3):

Labcorp Genetics (formerly Invitae), Labcorp
Classification: Benign. Last evaluated: 2019-12-31. Review status: criteria provided, single submitter. Criteria: Invitae Variant Classification Sherloc (09022015). Collection method: clinical testing. Allele origin: germline.

Breakthrough Genomics
Classification: Benign. Review status: criteria provided, single submitter. Criteria: ACMG Guidelines, 2015. Collection method: not provided. Allele origin: germline. Inheritance: Unknown mechanism. Affected: yes.

PreventionGenetics, part of Exact Sciences
Classification: Benign for IQGAP3-related condition. Last evaluated: 2019-11-25. Review status: no assertion criteria provided. Collection method: clinical testing. Allele origin: germline. Not counted in ClinVar's aggregate classification.
Comment: This variant is classified as benign based on ACMG/AMP sequence variant interpretation guidelines (Richards et al. 2015 PMID: 25741868, with internal and published modifications).